The following is an entry in ClinVar:

ClinVar aggregate classification (germline): Pathogenic/Likely pathogenic. Review status: criteria provided, multiple submitters, no conflicts (2 of 4 stars). 11 submissions from 11 submitters: Pathogenic (7); Likely pathogenic (3). 1 of the submissions does not count toward it. Last evaluated 2026-06-16.

Conditions:
TECTA-related disorder. Also called: TECTA-related condition.
Nonsyndromic genetic hearing loss. Also called: Nonsyndromic hearing loss and deafness; Nonsyndromic genetic deafness; Non-syndromic genetic deafness. Identifiers: Orphanet 87884, MedGen C5680182, MONDO:0019497.
Autosomal dominant nonsyndromic hearing loss 12. Also called: DEAFNESS, AUTOSOMAL DOMINANT 8. Identifiers: Orphanet 90635, MedGen C1832187, MONDO:0011102, OMIM 601543.

gnomAD v4.1: 3 of 1,614,148 alleles (0.00019%); highest among the groups gnomAD compares: Non-Finnish European, 0.00025%; no homozygotes.

Submissions (11):

PreventionGenetics, part of Exact Sciences
Classification: Pathogenic for TECTA-related condition. Last evaluated: 2026-06-16. Review status: criteria provided, single submitter. Criteria: ACMG Guidelines, 2015. Collection method: clinical testing. Allele origin: germline.
Comment: The TECTA c.5668C>T variant is predicted to result in the amino acid substitution p.Arg1890Cys. This variant has been reported as causative for autosomal dominant sensorineural hearing loss (Plantinga et al. 2006. PubMed ID: 16718611; Yamamoto et al. 2017. PubMed ID: 28946916; Nam et al. 2019. PubMed ID: 30935366; Yasukawa et al. 2019. PubMed ID: 31554319; Pavlenkova et al. 2021. PubMed ID: 34795337). This variant has not been reported in a large population database gnomAD, indicating this variant is rare. This variant is interpreted as pathogenic.

Women's Health and Genetics/Laboratory Corporation of America, LabCorp
Classification: Pathogenic for Autosomal dominant nonsyndromic hearing loss 12. Last evaluated: 2026-02-10. Review status: criteria provided, single submitter. Criteria: LabCorp Variant Classification Summary - May 2015. Collection method: clinical testing. Allele origin: germline.
Comment: Variant summary: TECTA c.5668C>T (p.Arg1890Cys) results in a non-conservative amino acid change in the encoded protein sequence. Algorithms developed to predict the effect of missense changes on protein structure and function all suggest that this variant is likely to be disruptive. The variant was absent in 251470 control chromosomes. c.5668C>T has been observed in multiple individuals affected with Autosomal Dominant Deafness and the variant segregated with the disease (example: Pavlenkova_2021). These data indicate that the variant is very likely to be associated with disease. The following publication has been ascertained in the context of this evaluation (PMID: 34795337). ClinVar contains an entry for this variant (Variation ID: 7022). Based on the evidence outlined above, the variant was classified as pathogenic.

CeGaT Center for Human Genetics Tuebingen
Classification: Pathogenic. Last evaluated: 2026-02-01. Review status: criteria provided, single submitter. Criteria: CeGaT Center For Human Genetics Tuebingen Variant Classification Criteria Version 2. Collection method: clinical testing. Allele origin: germline. Affected: yes. Observed: 1 variant allele.
Comment: TECTA: PP1:Strong, PS4, PM2

Labcorp Genetics (formerly Invitae), Labcorp
Classification: Pathogenic. Last evaluated: 2026-01-11. Review status: criteria provided, single submitter. Criteria: Invitae Variant Classification Sherloc (09022015). Collection method: clinical testing. Allele origin: germline.
Comment: This sequence change replaces arginine, which is basic and polar, with cysteine, which is neutral and slightly polar, at codon 1890 of the TECTA protein (p.Arg1890Cys). This variant is not present in population databases (gnomAD no frequency). This missense change has been observed in individuals with autosomal dominant deafness (PMID: 16718611, 21520338, 28946916, 30935366, 31554319, 33297549, 34795337). It has also been observed to segregate with disease in related individuals. ClinVar contains an entry for this variant (Variation ID: 7022). Invitae Evidence Modeling of protein sequence and biophysical properties (such as structural, functional, and spatial information, amino acid conservation, physicochemical variation, residue mobility, and thermodynamic stability) has been performed for this missense variant. However, the output from this modeling did not meet the statistical confidence thresholds required to predict the impact of this variant on TECTA protein function. For these reasons, this variant has been classified as Pathogenic.

GeneDx
Classification: Pathogenic. Last evaluated: 2022-03-25. Review status: criteria provided, single submitter. Criteria: GeneDx Variant Classification Process June 2021. Collection method: clinical testing. Allele origin: germline. Affected: yes.
Comment: In silico analysis supports that this missense variant does not alter protein structure/function; Not observed in large population cohorts (gnomAD); This variant is associated with the following publications: (PMID: 18022253, 24636747, 18776598, 17136632, 28946916, 16718611, 31554319, 33297549, 27535533, 21520338, 9590290, 30935366)

INGEBI, INGEBI / CONICET
Classification: Pathogenic for Nonsyndromic genetic hearing loss. Last evaluated: 2021-07-15. Review status: criteria provided, single submitter. Criteria: ClinGen HL ACMG Specifications v1. Collection method: clinical testing. Allele origin: germline. Inheritance: Autosomal dominant inheritance. Affected: yes. Observed: 4 variant alleles, 4 heterozygotes. Clinical features observed: Bilateral moderate to severe hearing loss.
Comment: Based on ACMG/AMP guidelines and Hearing Loss Expert Panel specific criteria: The c.5688C>T variant in TECTA gene is absent from population databases applying to PM2 criteria. This variant has been detected in two different probands meeting PS4_ Supporing (PMID: 16718611 and this study). This change segregated in eleven affected memebers in a family and 4 affected memebrs in another family, both with non-syndromic hearing loss which meets the PP1_VeryStrong criteria (PMID: 16718611 and this study). Revel score was 0.503 not apllying neither PM3 nor BP4. Consider all the evidene (PM2, PP1_Strong and PS4_Supp) the variant is classified as Pathogenic for autosomal dominant non-syndromic hearing loss

Blueprint Genetics
Classification: Pathogenic for TECTA-related disorders. Last evaluated: 2020-07-06. Review status: criteria provided, single submitter. Criteria: ACMG Guidelines, 2015. Collection method: clinical testing. Allele origin: germline. Affected: yes. Observed: 4 variant alleles.

ARUP Laboratories, Molecular Genetics and Genomics, ARUP Laboratories
Classification: Likely pathogenic. Last evaluated: 2017-11-09. Review status: criteria provided, single submitter. Criteria: ARUP Molecular Germline Variant Investigation Process. Collection method: clinical testing. Allele origin: germline.
Comment: The p.Arg1890Cys variant (rs121909063) has been shown segregating with sensorineural hearing loss across four families including Dutch, American and two Spanish (Plantinga, 2006 and Hildebrand, 2011). All affected individuals display middle frequencies impairment indicated by a trough-shaped profile in the audiogram. This variant occurs in the ZP domain of TECTA, a region of the polypeptide required for polymerization into high molecular weight filaments where it is incorporated into the extracellular matrix (Jovine, 2002). This variant is listed in the Genome Aggregation Database (gnomAD) identified on a single chromosome out of 246,248, and has been reported to the ClinVar database as a pathogenic variant (Variation ID: 7022). The arginine at position 1890 is highly conserved considering 11 species (Alamut v2.10) and computational analyses of the p.Arg1890Cys variant on protein structure and function indicate a deleterious effect (SIFT: damaging, MutationTaster: disease causing, PolyPhen-2: probably damaging). Given the current evidence, the p.Arg1890Cys is likely to be pathogenic.

Precision Medicine Center, Zhengzhou University
Classification: Likely pathogenic for Autosomal dominant nonsyndromic hearing loss 12. Last evaluated: 2006-06-30. Review status: criteria provided, single submitter. Criteria: ClinGen HL ACMG Specifications v1. Collection method: clinical testing. Allele origin: maternal. Affected: yes.
Comment: PP1_strong+PS4_moderate+PM2+PP3:The TECTA c.5668C>T variant is absent or extremely rare in population databases (PM2) and is predicted to be deleterious by multiple in silico tools (PP3). Segregation in 11 affected relatives for dominant (PMID: 16718611) (PP1_Strong). Autosomal dominant: at least 6 probands with the variant (PMID: 16718611, 30935366, 33297549, 21520338, 22718023)(PS4_Moderate). According to the ACMG/AMP guidelines, this variant is classified as Likely Pathogenic.

Juno Genomics, Hangzhou Juno Genomics, Inc
Classification: Likely pathogenic for Autosomal dominant nonsyndromic hearing loss 12. Review status: criteria provided, single submitter. Criteria: ACMG Guidelines, 2015. Collection method: clinical testing. Allele origin: germline. Affected: yes.
Comment: Absent from controls (or at extremely low frequency if recessive) in Genome Aggregation Database, Exome Sequencing Project, 1000 Genomes Project, or Exome Aggregation Consortium.;Multiple lines of computational evidence support a deleterious effect on the gene or gene product (conservation, evolutionary, splicing impact, etc).;The prevalence of the variant in affected individuals is significantly increased compared to the prevalence in controls.;Co-segregation with disease in multiple affected family members in a gene definitively known to cause the disease.

OMIM
Classification: Pathogenic for DEAFNESS, AUTOSOMAL DOMINANT 12. Last evaluated: 2006-06-01. Review status: no assertion criteria provided. Collection method: literature only. Allele origin: germline. Not counted in ClinVar's aggregate classification.

Literature cited by the submitters: PubMed 34795337 (cited by Women's Health and Genetics/Laboratory Corporation of America, LabCorp and Labcorp Genetics (formerly Invitae), Labcorp); PubMed 16718611 (cited by 4 submitters); PubMed 21520338 (cited by Labcorp Genetics (formerly Invitae), Labcorp and Precision Medicine Center, Zhengzhou University); PubMed 28946916 (cited by Labcorp Genetics (formerly Invitae), Labcorp); PubMed 30935366 (cited by Labcorp Genetics (formerly Invitae), Labcorp and Precision Medicine Center, Zhengzhou University); PubMed 31554319 (cited by Labcorp Genetics (formerly Invitae), Labcorp); PubMed 33297549 (cited by Labcorp Genetics (formerly Invitae), Labcorp and Precision Medicine Center, Zhengzhou University); PubMed 22718023 (cited by Precision Medicine Center, Zhengzhou University).

NM_005422.4(TECTA):c.5668C>T (p.Arg1890Cys)

Genes: TBCEL-TECTA (TBCEL-TECTA readthrough; plus strand), TECTA (tectorin alpha; plus strand). Cytogenetic location: 11q23.3.
Variant type: single nucleotide variant.
Coding change: c.5668C>T on transcript NM_005422.4 (MANE Select); coding-DNA position 5668, C replaced by T.
Protein change: p.Arg1890Cys; replaces arginine 1890 with cysteine.
Molecular consequence: missense variant.
Genome position (GRCh38, 1-based): chr11:121,168,135, C>T. VCF-style: chr11-121168135-C-T. GRCh37 (hg19) VCF-style: chr11-121038844-C-T.
Other names: c.6610C>T, p.Arg2204Cys (NM_001378761.1); short protein forms R1890C, R2204C.
Identifiers: ClinVar variation 7022 (VCV000007022.28), dbSNP rs121909063, ClinGen allele CA254071.